The following is an entry in ClinVar:

ClinVar aggregate classification (germline): Conflicting classifications of pathogenicity. Review status: criteria provided, conflicting classifications (1 of 4 stars). 5 submissions from 5 submitters: Uncertain significance (4); Benign (1). Last evaluated 2025-12-22.

Conditions:
Ovarian cancer. Also called: OVARIAN CANCER, SOMATIC. Identifiers: Orphanet 213500, MedGen C1140680, MONDO:0008170, OMIM 167000.
Birt-Hogg-Dube syndrome. Also called: Birt Hogg Dubé syndrome. Identifiers: Orphanet 122, MedGen C0346010, MONDO:0800444.
Hereditary cancer-predisposing syndrome. Also called: Hereditary Cancer Syndrome; Tumor predisposition; Neoplastic Syndromes, Hereditary; Hereditary neoplastic syndrome. Identifiers: Orphanet 140162, MedGen C0027672, MeSH D009386, MONDO:0015356.

Allele frequency attached by ClinVar (database versions not stated): gnomAD exomes below 0.00001.
gnomAD v4.1: 6 of 1,613,978 alleles (0.00037%); highest among the groups gnomAD compares: Middle Eastern, 0.017%; no homozygotes.

Submissions (5):

Labcorp Genetics (formerly Invitae), Labcorp
Classification: Uncertain significance for Birt-Hogg-Dube syndrome. Last evaluated: 2025-12-22. Review status: criteria provided, single submitter. Criteria: Invitae Variant Classification Sherloc (09022015). Collection method: clinical testing. Allele origin: germline.
Comment: This sequence change replaces valine, which is neutral and non-polar, with methionine, which is neutral and non-polar, at codon 381 of the FLCN protein (p.Val381Met). The frequency data for this variant in the population databases is considered unreliable, as metrics indicate poor data quality at this position in the gnomAD database. This variant has not been reported in the literature in individuals affected with FLCN-related conditions. ClinVar contains an entry for this variant (Variation ID: 650120). Invitae Evidence Modeling of protein sequence and biophysical properties (such as structural, functional, and spatial information, amino acid conservation, physicochemical variation, residue mobility, and thermodynamic stability) indicates that this missense variant is not expected to disrupt FLCN protein function with a negative predictive value of 80%. In summary, the available evidence is currently insufficient to determine the role of this variant in disease. Therefore, it has been classified as a Variant of Uncertain Significance.

Ambry Genetics
Classification: Uncertain significance for Hereditary cancer-predisposing syndrome. Last evaluated: 2025-07-14. Review status: criteria provided, single submitter. Criteria: Ambry Variant Classification Scheme 2023. Collection method: clinical testing. Allele origin: germline.
Comment: The p.V381M variant (also known as c.1141G>A), located in coding exon 7 of the FLCN gene, results from a G to A substitution at nucleotide position 1141. The valine at codon 381 is replaced by methionine, an amino acid with highly similar properties. This amino acid position is poorly conserved in available vertebrate species. In addition, this alteration is predicted to be tolerated by in silico analysis. Since supporting evidence is limited at this time, the clinical significance of this alteration remains unclear.

Baylor Genetics
Classification: Uncertain significance for Birt-Hogg-Dube syndrome 1. Last evaluated: 2023-08-28. Review status: criteria provided, single submitter. Criteria: ACMG Guidelines, 2015. Collection method: clinical testing. Allele origin: unknown.

GeneDx
Classification: Uncertain significance. Last evaluated: 2023-02-02. Review status: criteria provided, single submitter. Criteria: GeneDx Variant Classification Process June 2021. Collection method: clinical testing. Allele origin: germline. Affected: yes.
Comment: Not observed at significant frequency in large population cohorts (gnomAD); In silico analysis supports that this missense variant does not alter protein structure/function; Has not been previously published as pathogenic or benign to our knowledge

Laboratory of Molecular Epidemiology of Birth Defects, West China Second University Hospital, Sichuan University
Classification: Benign for Ovarian cancer. Last evaluated: 2022-01-01. Review status: criteria provided, single submitter. Criteria: ACMG Guidelines, 2015. Collection method: clinical testing. Allele origin: germline. Affected: yes.

NM_144997.7(FLCN):c.1141G>A (p.Val381Met)

Gene: FLCN (folliculin; minus strand). Cytogenetic location: 17p11.2.
Variant type: single nucleotide variant.
Coding change: c.1141G>A on transcript NM_144997.7 (MANE Select); coding-DNA position 1141, G replaced by A.
Protein change: p.Val381Met; replaces valine 381 with methionine.
Molecular consequence: missense variant.
Genome position (GRCh38, 1-based): chr17:17,217,104, C>T on the plus strand (G>A on the coding strand, the complement: FLCN is on the minus strand). VCF-style: chr17-17217104-C-T. GRCh37 (hg19) VCF-style: chr17-17120418-C-T.
Other names: c.1141G>A (LRG_325t1); c.1195G>A, p.Val399Met (NM_001353229.2); c.1141G>A, p.Val381Met (NM_001353230.2, NM_001353231.2); short protein forms V399M, V381M.
Identifiers: ClinVar variation 650120 (VCV000650120.20), dbSNP rs1347669124, ClinGen allele CA398532221.